The following is an entry in ClinVar:

NM_005676.5(RBM10):c.-104C>T

Gene: RBM10 (RNA binding motif protein 10; plus strand). Cytogenetic location: Xp11.3.
Variant type: single nucleotide variant.
Coding change: c.-104C>T on transcript NM_005676.5 (MANE Select); 104 bases upstream of the start codon, C replaced by T.
Molecular consequence: 5 prime UTR variant. On other transcripts: missense variant (1).
Genome position (GRCh38, 1-based): chrX:47,147,378, C>T. VCF-style: chrX-47147378-C-T. GRCh37 (hg19) VCF-style: chrX-47006777-C-T.
Other names: c.-104C>T (NM_001204466.2, NM_001204467.2, NM_152856.3); c.92C>T, p.Pro31Leu (NM_001204468.2); short protein forms P31L.
Identifiers: ClinVar variation 3377317 (VCV003377317.1).

ClinVar aggregate classification (germline): Likely benign (1 of 4 stars; one submission).

Conditions:
TARP syndrome (TARPS). Also called: PIERRE ROBIN SYNDROME WITH CONGENITAL HEART MALFORMATION AND CLUBFOOT; TALIPES EQUINOVARUS, ATRIAL SEPTAL DEFECT, ROBIN SEQUENCE, AND PERSISTENCE OF LEFT SUPERIOR VENA CAVA. Identifiers: Orphanet 2886, MedGen C1839463, MONDO:0010711, OMIM 311900.

gnomAD v4.1: 40 of 1,203,011 alleles (0.0033%); highest among the groups gnomAD compares: Non-Finnish European, 0.0045%; no homozygotes.

Submission:

Victorian Clinical Genetics Services, Murdoch Childrens Research Institute
Classification: Likely benign for TARP syndrome. Last evaluated: 2024-10-10. Review status: criteria provided, single submitter. Criteria: ACMG Guidelines, 2015. Collection method: clinical testing. Allele origin: germline. Inheritance: X-linked recessive inheritance. Affected: yes.
Comment: Based on the classification scheme VCGS_Germline_v1.3.4, this variant is classified as Likely Benign. Following criteria are met: 0102 - Loss of function is a known mechanism of disease in this gene and is associated with TARP syndrome (MIM#311900). (I) 0109 - This gene is associated with X-linked recessive disease. (I) 0200 - Variant is predicted to result in a missense amino acid change from proline to leucine. (I) 0219 - This variant is non-coding in alternative transcripts. It is located in the 5’UTR of all other RefSeq transcripts, including the MANE transcript NM_005676.4. There were no variants unique to NM_001204468.1 reported in the literature in association with disease. (I) 0253 - This variant is hemizygous. (I) 0304 - Variant is present in gnomAD <0.01 for a recessive condition (v2: 4 heterozygotes, 0 homozygotes, 1 hemizygote). (SP) 0309 - An alternative amino acid change at the same position has been observed in gnomAD (v2: 1 heterozygote, 0 homozygotes, 0 hemizygotes). (I) 0504 - Same amino acid change has been observed in placental mammals. (SB) 0604 - Variant is not located in an established domain, motif, hotspot or informative constraint region. (I) 0705 - No comparable missense variants have previous evidence for pathogenicity. (I) 0807 - This variant has no previous evidence of pathogenicity. (I) 0905 - No published segregation evidence has been identified for this variant. (I) 1007 - No published functional evidence has been identified for this variant. (I) 1208 - Inheritance information for this variant is not currently available in this individual. (I) Legend: (SP) - Supporting pathogenic, (I) - Information, (SB) - Supporting benign